The following is an entry in ClinVar:

NM_000264.5(PTCH1):c.2139C>T (p.Ser713=)

Genes: PTCH1 (patched 1; minus strand), LOC100507346 (uncharacterized LOC100507346; plus strand). Cytogenetic location: 9q22.32.
Variant type: single nucleotide variant.
Coding change: c.2139C>T on transcript NM_000264.5 (MANE Select); coding-DNA position 2139, C replaced by T.
Protein change: p.Ser713=; no amino-acid change (serine 713 retained).
Molecular consequence: synonymous variant. On other transcripts: non-coding transcript variant (2).
Genome position (GRCh38, 1-based): chr9:95,468,862, G>A on the plus strand (C>T on the coding strand, the complement: PTCH1 is on the minus strand). VCF-style: chr9-95468862-G-A. GRCh37 (hg19) VCF-style: chr9-98231144-G-A.
Other names: c.1941C>T, p.Ser647= (NM_001083602.3); c.2136C>T, p.Ser712= (NM_001083603.3); c.1686C>T, p.Ser562= (NM_001083604.3, NM_001083605.3, NM_001083606.3 and 1 more transcripts); c.1983C>T, p.Ser661= (NM_001354918.2).
Identifiers: ClinVar variation 524615 (VCV000524615.29), dbSNP rs143630307, ClinGen allele CA5138444.

ClinVar aggregate classification (germline): Likely benign. Review status: criteria provided, multiple submitters, no conflicts (2 of 4 stars). 3 submissions from 3 submitters: Likely benign (3). Last evaluated 2025-12-14.

Conditions:
Hereditary cancer-predisposing syndrome. Also called: Neoplastic Syndromes, Hereditary; Hereditary Cancer Syndrome; Tumor predisposition; Hereditary neoplastic syndrome. Identifiers: Orphanet 140162, MedGen C0027672, MeSH D009386, MONDO:0015356.
Gorlin syndrome. Also called: Nevoid Basal Cell Carcinoma Syndrome; Basal cell nevus syndrome. Identifiers: Orphanet 377, MedGen C0004779, MONDO:0007187.

Allele frequency attached by ClinVar (database versions not stated): ExAC 0.00002; gnomAD 0.00002; gnomAD exomes 0.00002; TOPMed 0.00002.
gnomAD v4.1: 18 of 1,614,072 alleles (0.0011%); highest among the groups gnomAD compares: Admixed American, 0.0017%; no homozygotes.

Submissions (3):

Labcorp Genetics (formerly Invitae), Labcorp
Classification: Likely benign for Gorlin syndrome. Last evaluated: 2025-12-14. Review status: criteria provided, single submitter. Criteria: Invitae Variant Classification Sherloc (09022015). Collection method: clinical testing. Allele origin: germline.

CeGaT Center for Human Genetics Tuebingen
Classification: Likely benign. Last evaluated: 2025-01-01. Review status: criteria provided, single submitter. Criteria: CeGaT Center For Human Genetics Tuebingen Variant Classification Criteria Version 2. Collection method: clinical testing. Allele origin: germline. Affected: yes. Observed: 1 variant allele.
Comment: PTCH1: BP4, BP7

Ambry Genetics
Classification: Likely benign for Hereditary cancer-predisposing syndrome. Last evaluated: 2019-11-22. Review status: criteria provided, single submitter. Criteria: Ambry Variant Classification Scheme 2023. Collection method: clinical testing. Allele origin: germline.